The following is an entry in ClinVar:

NM_001005337.3(PKP1):c.*1148C>T

Gene: PKP1 (plakophilin 1; plus strand). Cytogenetic location: 1q32.1.
Variant type: single nucleotide variant.
Coding change: c.*1148C>T on transcript NM_001005337.3 (MANE Select); 1148 bases downstream of the stop codon, C replaced by T.
Molecular consequence: 3 prime UTR variant.
Genome position (GRCh38, 1-based): chr1:201,331,189, C>T. VCF-style: chr1-201331189-C-T. GRCh37 (hg19) VCF-style: chr1-201300317-C-T.
Other names: c.*1148C>T (NM_000299.4).
Identifiers: ClinVar variation 294860 (VCV000294860.5), dbSNP rs140478008, ClinGen allele CA10609460.
Genomic context (GRCh38, chr1:201,331,189, plus strand): 5'-TTTCCACCAAGCCTGCTGTGAGTCAATTGAGGGAGTGTTTGGGGTCCCAGGAGACTTGGA[C>T]GGGGGGAGTTTGGGTAGACTAGGAAAGGAAAGTGCCATATCAGGGTACCGGTACCGGCAA-3'

ClinVar aggregate classification (germline): Likely benign (1 of 4 stars; one submission).

Conditions:
Epidermolysis bullosa simplex due to plakophilin deficiency. Also called: MCGRATH SYNDROME. Identifiers: Orphanet 158668, MedGen C1858302, MONDO:0011472, OMIM 604536.

Allele frequency attached by ClinVar (database versions not stated): gnomAD 0.00061; TOPMed 0.00065; 1000 Genomes Project 0.00100; 1000 Genomes Project 30x 0.00125.

Submission:

Illumina Laboratory Services, Illumina
Classification: Likely benign for Epidermolysis bullosa simplex due to plakophilin deficiency. Last evaluated: 2018-01-12. Review status: criteria provided, single submitter. Criteria: ICSL Variant Classification Criteria 13 December 2019. Collection method: clinical testing. Allele origin: germline.
Comment: This variant was observed in the ICSL laboratory as part of a predisposition screen in an ostensibly healthy population. It had not been previously curated by ICSL or reported in the Human Gene Mutation Database (HGMD: prior to June 1st, 2018), and was therefore a candidate for classification through an automated scoring system. Utilizing variant allele frequency, disease prevalence and penetrance estimates, and inheritance mode, an automated score was calculated to assess if this variant is too frequent to cause the disease. Based on the score and internal cut-off values, a variant classified as likely benign is not then subjected to further curation. The score for this variant resulted in a classification of likely benign for this disease.